The following is an entry in ClinVar:

NM_052947.4(ALPK2):c.4345C>T (p.Pro1449Ser)

Genes: ALPK2 (alpha kinase 2; minus strand), LOC126862764 (BRD4-independent group 4 enhancer GRCh37_chr18:56202574-56203773; plus strand). Cytogenetic location: 18q21.31.
Variant type: single nucleotide variant.
Coding change: c.4345C>T on transcript NM_052947.4 (MANE Select); coding-DNA position 4345, C replaced by T.
Protein change: p.Pro1449Ser; replaces proline 1449 with serine.
Molecular consequence: missense variant.
Genome position (GRCh38, 1-based): chr18:58,535,842, G>A on the plus strand (C>T on the coding strand, the complement: ALPK2 is on the minus strand). VCF-style: chr18-58535842-G-A. GRCh37 (hg19) VCF-style: chr18-56203074-G-A.
Other names: short protein forms P1449S.
Identifiers: ClinVar variation 3058890 (VCV003058890.2), dbSNP rs3809982, ClinGen allele CA8976719.

ClinVar aggregate classification (germline): Benign (0 of 4 stars; one submission).

Conditions:
ALPK2-related disorder. Also called: ALPK2-related condition.

Allele frequency attached by ClinVar (database versions not stated): 1000 Genomes Project 30x 0.32683; 1000 Genomes Project 0.32927; TOPMed 0.39188; ESP Exome Variant Server 0.40855; gnomAD 0.40870; ExAC 0.42588; gnomAD exomes 0.47728.
gnomAD v4.1: 758,456 of 1,613,924 alleles (47%); highest among the groups gnomAD compares: Non-Finnish European, 51%; 183,460 homozygotes.

Submission:

PreventionGenetics, part of Exact Sciences
Classification: Benign for ALPK2-related condition. Last evaluated: 2019-10-17. Review status: no assertion criteria provided. Collection method: clinical testing. Allele origin: germline.
Comment: This variant is classified as benign based on ACMG/AMP sequence variant interpretation guidelines (Richards et al. 2015 PMID: 25741868, with internal and published modifications).